The following is an entry in ClinVar:

NM_003104.6(SORD):c.1021G>T (p.Gly341Ter)

Gene: SORD (sorbitol dehydrogenase; plus strand). Cytogenetic location: 15q21.1.
Variant type: single nucleotide variant.
Coding change: c.1021G>T on transcript NM_003104.6 (MANE Select); coding-DNA position 1021, G replaced by T.
Protein change: p.Gly341Ter; replaces glycine 341 with a stop codon.
Molecular consequence: nonsense. On other transcripts: non-coding transcript variant (1).
Genome position (GRCh38, 1-based): chr15:45,073,477, G>T. VCF-style: chr15-45073477-G-T. GRCh37 (hg19) VCF-style: chr15-45365675-G-T.
Other names: short protein forms G341*.
Identifiers: ClinVar variation 1698070 (VCV001698070.7), dbSNP rs750210485, ClinGen allele CA7537402.

ClinVar aggregate classification (germline): Conflicting classifications of pathogenicity. Review status: criteria provided, conflicting classifications (1 of 4 stars). 4 submissions from 4 submitters: Likely pathogenic (1); Uncertain significance (3). Last evaluated 2026-01-28.

Conditions:
Neuronopathy, distal hereditary motor, autosomal recessive 8. Also called: SORBITOL DEHYDROGENASE DEFICIENCY WITH PERIPHERAL NEUROPATHY; SORBITOL DEHYDROGENASE DEFICIENCY; NEUROPATHY, DISTAL HEREDITARY MOTOR, AUTOSOMAL RECESSIVE 8. Identifiers: Orphanet 700508, MedGen C5394466, MONDO:0030055, OMIM 618912.

Allele frequency attached by ClinVar (database versions not stated): gnomAD exomes 0.00001; ExAC 0.00001; gnomAD 0.00007.

Submissions (4):

GeneDx
Classification: Likely pathogenic. Last evaluated: 2026-01-28. Review status: criteria provided, single submitter. Criteria: GeneDx Variant Classification Process June 2021. Collection method: clinical testing. Allele origin: germline.
Comment: Reported in an individual diagnosed with CMT/distal hereditary motor neuropathy who had a second, undescribed variant, in the SORD gene. Clinical information on the individual was not provided (PMID: 41282915); Nonsense variant predicted to result in protein truncation as the last 17 amino acid(s) are lost; This variant is associated with the following publications: (PMID: 41282915)

Genomic Medicine Center of Excellence, King Faisal Specialist Hospital and Research Centre
Classification: Uncertain significance for Neuronopathy, distal hereditary motor, autosomal recessive 8. Last evaluated: 2024-04-04. Review status: criteria provided, single submitter. Criteria: ACMG Guidelines, 2015. Collection method: clinical testing. Allele origin: germline.

Women's Health and Genetics/Laboratory Corporation of America, LabCorp
Classification: Uncertain significance. Last evaluated: 2023-10-13. Review status: criteria provided, single submitter. Criteria: LabCorp Variant Classification Summary - May 2015. Collection method: clinical testing. Allele origin: germline.
Comment: Variant summary: SORD c.1021G>T (p.Gly341X) results in a premature termination codon of the last 17 codons in the last exon of the encoded protein. The variant allele was found at a frequency of 9.8e-06 in 204412 control chromosomes. The available data on variant occurrences in the general population are insufficient to allow any conclusion about variant significance. To our knowledge, no occurrence of c.1021G>T in individuals affected with Sorbitol Dehydrogenase Deficiency With Peripheral Neuropathy and no experimental evidence demonstrating its impact on protein function have been reported. Two submitters have cited clinical-significance assessments for this variant to ClinVar after 2014. One submitter classified the variant as likely pathogenic, and one submitter classified the variant as uncertain significance. Based on the evidence outlined above, the variant was classified as uncertain significance.

MGZ Medical Genetics Center
Classification: Uncertain significance for Neuronopathy, distal hereditary motor, autosomal recessive 8. Last evaluated: 2021-12-02. Review status: criteria provided, single submitter. Criteria: ACMG Guidelines, 2015. Collection method: clinical testing. Allele origin: germline. Affected: yes. Observed: 1 variant allele.
Comment: ACMG criteria applied: PVS1_MOD, PM2_SUP